The following is an entry in ClinVar:

ClinVar aggregate classification (germline): Uncertain significance (1 of 4 stars; one submission).

Submission:

CeGaT Center for Human Genetics Tuebingen
Classification: Uncertain significance. Last evaluated: 2022-05-01. Review status: criteria provided, single submitter. Criteria: CeGaT Center For Human Genetics Tuebingen Variant Classification Criteria Version 2. Collection method: clinical testing. Allele origin: germline. Affected: yes. Observed: 1 variant allele.
Comment: NOD2: PM2

NM_001370466.1(NOD2):c.677C>A (p.Thr226Lys)

Gene: NOD2 (nucleotide binding oligomerization domain containing 2; plus strand). Cytogenetic location: 16q12.1.
Variant type: single nucleotide variant.
Coding change: c.677C>A on transcript NM_001370466.1 (MANE Select); coding-DNA position 677, C replaced by A.
Protein change: p.Thr226Lys; replaces threonine 226 with lysine.
Molecular consequence: missense variant. On other transcripts: non-coding transcript variant (1).
Genome position (GRCh38, 1-based): chr16:50,710,669, C>A. VCF-style: chr16-50710669-C-A. GRCh37 (hg19) VCF-style: chr16-50744580-C-A.
Other names: c.677C>A, p.Thr226Lys (NM_001293557.2); c.758C>A, p.Thr253Lys (NM_022162.3); short protein forms T226K, T253K.
Identifiers: ClinVar variation 2646509 (VCV002646509.24), dbSNP rs2506394374, ClinGen allele CA395867501.